The following is an entry in ClinVar:

ClinVar aggregate classification (germline): Uncertain significance (1 of 4 stars; one submission).

Submission:

Ambry Genetics
Classification: Uncertain significance. Last evaluated: 2023-05-04. Review status: criteria provided, single submitter. Criteria: Ambry Variant Classification Scheme 2023. Collection method: clinical testing. Allele origin: germline.
Comment: The p.T1687R variant (also known as c.5060C>G), located in coding exon 16 of the POLQ gene, results from a C to G substitution at nucleotide position 5060. The threonine at codon 1687 is replaced by arginine, an amino acid with similar properties. This amino acid position is conserved. In addition, this alteration is predicted to be tolerated by in silico analysis. Since supporting evidence is limited at this time, the clinical significance of this alteration remains unclear.

NM_199420.4(POLQ):c.5060C>G (p.Thr1687Arg)

Gene: POLQ (DNA polymerase theta; minus strand). Cytogenetic location: 3q13.33.
Variant type: single nucleotide variant.
Coding change: c.5060C>G on transcript NM_199420.4 (MANE Select); coding-DNA position 5060, C replaced by G.
Protein change: p.Thr1687Arg; replaces threonine 1687 with arginine.
Molecular consequence: missense variant.
Genome position (GRCh38, 1-based): chr3:121,487,871, G>C on the plus strand (C>G on the coding strand, the complement: POLQ is on the minus strand). VCF-style: chr3-121487871-G-C. GRCh37 (hg19) VCF-style: chr3-121206718-G-C.
Other names: short protein forms T1687R.
Identifiers: ClinVar variation 2563826 (VCV002563826.2), dbSNP rs775530245, ClinGen allele CA354092151.